The following is an entry in ClinVar:

ClinVar aggregate classification (germline): Uncertain significance (1 of 4 stars; one submission).

Conditions:
RASopathy. Also called: rasopathies; Noonan spectrum disorder. Identifiers: Orphanet 536391, MedGen C5555857, MONDO:0021060.

Allele frequency attached by ClinVar (database versions not stated): ExAC 0.00002; gnomAD exomes 0.00001.
gnomAD v4.1: 7 of 1,582,928 alleles (0.00044%); highest among the groups gnomAD compares: Admixed American, 0.0033%; no homozygotes.

Submission:

Labcorp Genetics (formerly Invitae), Labcorp
Classification: Uncertain significance for RASopathy. Last evaluated: 2025-11-04. Review status: criteria provided, single submitter. Criteria: Invitae Variant Classification Sherloc (09022015). Collection method: clinical testing. Allele origin: germline.
Comment: This sequence change replaces glutamic acid, which is acidic and polar, with glycine, which is neutral and non-polar, at codon 374 of the PTPN11 protein (p.Glu374Gly). This variant is present in population databases (rs780328721, gnomAD 0.002%). This variant has not been reported in the literature in individuals affected with PTPN11-related conditions. ClinVar contains an entry for this variant (Variation ID: 2794174). Invitae Evidence Modeling of protein sequence and biophysical properties (such as structural, functional, and spatial information, amino acid conservation, physicochemical variation, residue mobility, and thermodynamic stability) has been performed for this missense variant. However, the output from this modeling did not meet the statistical confidence thresholds required to predict the impact of this variant on PTPN11 protein function. In summary, the available evidence is currently insufficient to determine the role of this variant in disease. Therefore, it has been classified as a Variant of Uncertain Significance.

NM_002834.5(PTPN11):c.1121A>G (p.Glu374Gly)

Gene: PTPN11 (protein tyrosine phosphatase non-receptor type 11; plus strand). Cytogenetic location: 12q24.13.
Variant type: single nucleotide variant.
Coding change: c.1121A>G on transcript NM_002834.5 (MANE Select); coding-DNA position 1121, A replaced by G.
Protein change: p.Glu374Gly; replaces glutamic acid 374 with glycine.
Molecular consequence: missense variant.
Genome position (GRCh38, 1-based): chr12:112,482,102, A>G. VCF-style: chr12-112482102-A-G. GRCh37 (hg19) VCF-style: chr12-112919906-A-G.
Other names: c.1121A>G, p.Glu374Gly (NM_001330437.2, NM_080601.3); c.1118A>G, p.Glu373Gly (NM_001374625.1); short protein forms E373G, E374G.
Identifiers: ClinVar variation 2794174 (VCV002794174.3), dbSNP rs780328721, ClinGen allele CA6798726.